The following is an entry in ClinVar:

NM_001164508.2(NEB):c.10687A>G (p.Lys3563Glu)

Gene: NEB (nebulin; minus strand). Cytogenetic location: 2q23.3.
Variant type: single nucleotide variant.
Coding change: c.10687A>G on transcript NM_001164508.2 (MANE Select); coding-DNA position 10687, A replaced by G.
Protein change: p.Lys3563Glu; replaces lysine 3563 with glutamic acid.
Molecular consequence: missense variant.
Genome position (GRCh38, 1-based): chr2:151,619,636, T>C on the plus strand (A>G on the coding strand, the complement: NEB is on the minus strand). VCF-style: chr2-151619636-T-C. GRCh37 (hg19) VCF-style: chr2-152476150-T-C.
Other names: c.10687A>G, p.Lys3563Glu (NM_001164507.2, NM_001271208.2); c.9958A>G, p.Lys3320Glu (NM_004543.5); short protein forms K3563E, K3320E.
Identifiers: ClinVar variation 1979687 (VCV001979687.4), dbSNP rs1207279110, ClinGen allele CA348788370.
Genomic context (GRCh38, chr2:151,619,636, plus strand): 5'-AAACGATACCAAGCATGTCCACTGGGCTGCTGTACCTTGTCTTGTATTTCTCAAAATCTT[T>C]CTTGTACTCACGGTCACTCTGCACTTTGGCAATGTGGAGGGACCACATTATCTTGGGGTC-3'
Protein context (NP_001157980.2, residues 3553-3573): AKVQSDREYK[Lys3563Glu]DFEKYKTRYS

ClinVar aggregate classification (germline): Uncertain significance. Review status: criteria provided, multiple submitters, no conflicts (2 of 4 stars). 2 submissions from 2 submitters: Uncertain significance (2). Last evaluated 2022-06-07.

Conditions:
Nemaline myopathy 2 (NEM2). Also called: Nemaline myopathy 2, autosomal recessive. Identifiers: MedGen C1850569, MONDO:0009725, OMIM 256030.

Allele frequency attached by ClinVar (database versions not stated): TOPMed 0.00002; gnomAD 0.00003.
gnomAD v4.1: 5 of 1,613,840 alleles (0.00031%); highest among the groups gnomAD compares: African/African-American, 0.0067%; no homozygotes.

Submissions (2):

Revvity Omics, Revvity
Classification: Uncertain significance. Last evaluated: 2022-06-07. Review status: criteria provided, single submitter. Criteria: ACMG Guidelines, 2015. Collection method: clinical testing. Allele origin: germline.

Labcorp Genetics (formerly Invitae), Labcorp
Classification: Uncertain significance for Nemaline myopathy 2. Last evaluated: 2022-05-29. Review status: criteria provided, single submitter. Criteria: Invitae Variant Classification Sherloc (09022015). Collection method: clinical testing. Allele origin: germline.
Comment: This sequence change replaces lysine, which is basic and polar, with glutamic acid, which is acidic and polar, at codon 3563 of the NEB protein (p.Lys3563Glu). This variant is not present in population databases (gnomAD no frequency). This variant has not been reported in the literature in individuals affected with NEB-related conditions. Algorithms developed to predict the effect of missense changes on protein structure and function are either unavailable or do not agree on the potential impact of this missense change (SIFT: "Deleterious"; PolyPhen-2: "Not Available"; Align-GVGD: "Class C0"). In summary, the available evidence is currently insufficient to determine the role of this variant in disease. Therefore, it has been classified as a Variant of Uncertain Significance.